The following is an entry in ClinVar:

NM_017777.4(MKS1):c.1024C>T (p.His342Tyr)

Gene: MKS1 (MKS transition zone complex subunit 1; minus strand). Cytogenetic location: 17q22.
Variant type: single nucleotide variant.
Coding change: c.1024C>T on transcript NM_017777.4 (MANE Select); coding-DNA position 1024, C replaced by T.
Protein change: p.His342Tyr; replaces histidine 342 with tyrosine.
Molecular consequence: missense variant.
Genome position (GRCh38, 1-based): chr17:58,210,659, G>A on the plus strand (C>T on the coding strand, the complement: MKS1 is on the minus strand). VCF-style: chr17-58210659-G-A. GRCh37 (hg19) VCF-style: chr17-56288020-G-A.
Other names: c.1024C>T (NM_017777.3); c.415C>T, p.His139Tyr (NM_001321268.2); c.1024C>T, p.His342Tyr (NM_001321269.2, NM_001330397.2); short protein forms H139Y, H342Y.
Identifiers: ClinVar variation 1493036 (VCV001493036.6), dbSNP rs1357107885, ClinGen allele CA400325936.
Genomic context (GRCh38, chr17:58,210,659, plus strand): 5'-CAAATGCCTCTAGATCTGTCTGAATGGGTATAAAAGGAGAGACTTAAGAATATTACTTAC[G>A]AGCAGTTGGCAATTCTACAAAGAAGTGGACGTAGAGATTGTCATACTCATAGCCTTGGGC-3'
Protein context (NP_060247.2, residues 332-352): VHFFVELPTA[His342Tyr]WSSPAFQQLS

ClinVar aggregate classification (germline): Uncertain significance. Review status: criteria provided, multiple submitters, no conflicts (2 of 4 stars). 2 submissions from 2 submitters: Uncertain significance (2). Last evaluated 2023-08-17.

Conditions:
Meckel-Gruber syndrome. Also called: DYSENCEPHALIA SPLANCHNOCYSTICA; GRUBER SYNDROME; Dysencephalia splachnocystica. Identifiers: Orphanet 564, MedGen C0265215, MONDO:0018921.
Joubert syndrome. Also called: CEREBELLOPARENCHYMAL DISORDER IV; JOUBERT-BOLTSHAUSER SYNDROME; Familial aplasia of the vermis. Identifiers: Orphanet 475, MedGen C5979921, MONDO:0018772.

Submissions (2):

GeneDx
Classification: Uncertain significance. Last evaluated: 2023-08-17. Review status: criteria provided, single submitter. Criteria: GeneDx Variant Classification Process June 2021. Collection method: clinical testing. Allele origin: germline. Affected: yes.
Comment: Not observed at significant frequency in large population cohorts (gnomAD); In silico analysis supports that this missense variant does not alter protein structure/function; Has not been previously published as pathogenic or benign to our knowledge

Labcorp Genetics (formerly Invitae), Labcorp
Classification: Uncertain significance for Joubert syndrome; Meckel-Gruber syndrome. Last evaluated: 2022-07-06. Review status: criteria provided, single submitter. Criteria: Invitae Variant Classification Sherloc (09022015). Collection method: clinical testing. Allele origin: germline.
Comment: This sequence change replaces histidine, which is basic and polar, with tyrosine, which is neutral and polar, at codon 342 of the MKS1 protein (p.His342Tyr). This variant is present in population databases (no rsID available, gnomAD 0.003%). This variant has not been reported in the literature in individuals affected with MKS1-related conditions. ClinVar contains an entry for this variant (Variation ID: 1493036). Algorithms developed to predict the effect of missense changes on protein structure and function output the following: SIFT: "Tolerated"; PolyPhen-2: "Benign"; Align-GVGD: "Class C0". The tyrosine amino acid residue is found in multiple mammalian species, which suggests that this missense change does not adversely affect protein function. Algorithms developed to predict the effect of sequence changes on RNA splicing suggest that this variant may disrupt the consensus splice site. In summary, the available evidence is currently insufficient to determine the role of this variant in disease. Therefore, it has been classified as a Variant of Uncertain Significance.